The following is an entry in ClinVar:

NM_005529.7(HSPG2):c.12353C>T (p.Thr4118Met)

Gene: HSPG2 (heparan sulfate proteoglycan 2; minus strand). Cytogenetic location: 1p36.12.
Variant type: single nucleotide variant.
Coding change: c.12353C>T on transcript NM_005529.7 (MANE Select); coding-DNA position 12353, C replaced by T.
Protein change: p.Thr4118Met; replaces threonine 4118 with methionine.
Molecular consequence: missense variant.
Genome position (GRCh38, 1-based): chr1:21,828,311, G>A on the plus strand (C>T on the coding strand, the complement: HSPG2 is on the minus strand). VCF-style: chr1-21828311-G-A. GRCh37 (hg19) VCF-style: chr1-22154804-G-A.
Other names: c.12356C>T, p.Thr4119Met (NM_001291860.2); c.12353C>T (NM_005529.6); short protein forms T4118M, T4119M.
Identifiers: ClinVar variation 295706 (VCV000295706.21), dbSNP rs200150908, ClinGen allele CA669459.

ClinVar aggregate classification (germline): Uncertain significance. Review status: criteria provided, multiple submitters, no conflicts (2 of 4 stars). 6 submissions from 5 submitters: Uncertain significance (5). 1 of the submissions does not count toward it. Last evaluated 2024-11-15.

Conditions:
Schwartz-Jampel syndrome type 1 (SJS1). Also called: MYOTONIC MYOPATHY, DWARFISM, CHONDRODYSTROPHY, AND OCULAR AND FACIAL ABNORMALITIES; CHONDRODYSTROPHIC MYOTONIA. Identifiers: MedGen C4551479, MONDO:0100435, OMIM 255800.
Inborn genetic diseases. Identifiers: MedGen C0950123, MeSH D030342.
Lethal Kniest-like syndrome (DDSH). Also called: Dyssegmental Dysplasia. Identifiers: Orphanet 1865, MedGen C1857100, MONDO:0009140, OMIM 224410.
Schwartz-Jampel syndrome. Also called: Myotonic myopathy dwarfism chondrodystrophy and ocular and facial abnormalities. Identifiers: Orphanet 800, MedGen C0036391, MONDO:0009717.

Allele frequency attached by ClinVar (database versions not stated): gnomAD exomes 0.00004 and 0.00006; gnomAD 0.00006 and 0.00009; ExAC 0.00007; TOPMed 0.00011.
gnomAD v4.1: 68 of 1,613,856 alleles (0.0042%); highest among the groups gnomAD compares: Middle Eastern, 0.033%; 1 homozygote.

Submissions (6):

Ambry Genetics
Classification: Uncertain significance for Inborn genetic diseases. Last evaluated: 2024-11-15. Review status: criteria provided, single submitter. Criteria: Ambry Variant Classification Scheme 2023. Collection method: clinical testing. Allele origin: germline.

Athena Diagnostics
Classification: Uncertain significance. Last evaluated: 2024-06-27. Review status: criteria provided, single submitter. Criteria: Athena Diagnostics Criteria. Collection method: clinical testing. Allele origin: unknown.
Comment: Available data are insufficient to determine the clinical significance of the variant at this time. The frequency of this variant in the general population is uninformative in assessment of its pathogenicity. Polyphen and MutationTaster yielded discordant predictions regarding whether this amino acid change is damaging to the protein.

Labcorp Genetics (formerly Invitae), Labcorp
Classification: Uncertain significance. Last evaluated: 2022-07-06. Review status: criteria provided, single submitter. Criteria: Invitae Variant Classification Sherloc (09022015). Collection method: clinical testing. Allele origin: germline.
Comment: This sequence change replaces threonine, which is neutral and polar, with methionine, which is neutral and non-polar, at codon 4118 of the HSPG2 protein (p.Thr4118Met). This variant is present in population databases (rs200150908, gnomAD 0.02%). This variant has not been reported in the literature in individuals affected with HSPG2-related conditions. ClinVar contains an entry for this variant (Variation ID: 295706). Algorithms developed to predict the effect of missense changes on protein structure and function are either unavailable or do not agree on the potential impact of this missense change (SIFT: "Tolerated"; PolyPhen-2: "Probably Damaging"; Align-GVGD: "Class C0"). In summary, the available evidence is currently insufficient to determine the role of this variant in disease. Therefore, it has been classified as a Variant of Uncertain Significance.

Illumina Laboratory Services, Illumina
Classification: Uncertain significance for Lethal Kniest-like syndrome. Last evaluated: 2018-01-13. Review status: criteria provided, single submitter. Criteria: ICSL Variant Classification Criteria 13 December 2019. Collection method: clinical testing. Allele origin: germline.

Illumina Laboratory Services, Illumina
Classification: Uncertain significance for Schwartz-Jampel syndrome type 1. Last evaluated: 2018-01-13. Review status: criteria provided, single submitter. Criteria: ICSL Variant Classification Criteria 13 December 2019. Collection method: clinical testing. Allele origin: germline.

Istanbul Faculty of Medicine, Istanbul University
Classification: Likely pathogenic for Schwartz-Jampel syndrome type 1. Last evaluated: 2022-01-10. Review status: no assertion criteria provided. Collection method: clinical testing. Allele origin: germline. Affected: yes. Observed: 1 variant allele. Not counted in ClinVar's aggregate classification.
Comment: Severe, early-onset Schwartz-Jampel syndrome type 1

Literature cited by the submitters: PubMed 38278647 (cited by Athena Diagnostics).